The following is an entry in ClinVar:

NM_001318852.2(MAPK8IP3):c.1217-6C>T

Gene: MAPK8IP3 (mitogen-activated protein kinase 8 interacting protein 3; plus strand). Cytogenetic location: 16p13.3.
Variant type: single nucleotide variant.
Coding change: c.1217-6C>T on transcript NM_001318852.2 (MANE Select); 6 bases into the intron before coding-DNA position 1217, C replaced by T.
Molecular consequence: intron variant.
Genome position (GRCh38, 1-based): chr16:1,758,142, C>T. VCF-style: chr16-1758142-C-T. GRCh37 (hg19) VCF-style: chr16-1808143-C-T.
Other names: c.1214-6C>T (NM_015133.5, NM_001040439.2).
Identifiers: ClinVar variation 3039815 (VCV003039815.2), dbSNP rs780440133, ClinGen allele CA7816713.
Genomic context (GRCh38, chr16:1,758,142, plus strand): 5'-TCCAGTCCCTAATTGACCTTTGTCCCTTCCTTCCCCTGCCTCTCTGTGCGTCGCTGGACT[C>T]GCCAGGGGAGTTCTCAGGTGAGTATCTCACTCTCCTGTCTGTCTCCCCTCTGTGTGACGG-3'

ClinVar aggregate classification (germline): Likely benign (0 of 4 stars; one submission).

Conditions:
MAPK8IP3-related disorder. Also called: MAPK8IP3-related condition.

Allele frequency attached by ClinVar (database versions not stated): gnomAD exomes 0.00002; gnomAD 0.00003; TOPMed 0.00005; ExAC 0.00008.
gnomAD v4.1: 39 of 1,613,644 alleles (0.0024%); highest among the groups gnomAD compares: Admixed American, 0.017%; no homozygotes.

Submission:

PreventionGenetics, part of Exact Sciences
Classification: Likely benign for MAPK8IP3-related condition. Last evaluated: 2024-01-13. Review status: no assertion criteria provided. Collection method: clinical testing. Allele origin: germline.
Comment: This variant is classified as likely benign based on ACMG/AMP sequence variant interpretation guidelines (Richards et al. 2015 PMID: 25741868, with internal and published modifications).